The following is an entry in ClinVar:

NM_003036.4(SKI):c.44C>T (p.Pro15Leu)

Gene: SKI (SKI proto-oncogene; plus strand). Cytogenetic location: 1p36.33.
Variant type: single nucleotide variant.
Coding change: c.44C>T on transcript NM_003036.4 (MANE Select); coding-DNA position 44, C replaced by T.
Protein change: p.Pro15Leu; replaces proline 15 with leucine.
Molecular consequence: missense variant.
Genome position (GRCh38, 1-based): chr1:2,228,810, C>T. VCF-style: chr1-2228810-C-T. GRCh37 (hg19) VCF-style: chr1-2160249-C-T.
Other names: short protein forms P15L.
Identifiers: ClinVar variation 2429712 (VCV002429712.2), dbSNP rs2527575277, ClinGen allele CA337951971.

ClinVar aggregate classification (germline): Uncertain significance (1 of 4 stars; one submission).

gnomAD v4.1: 1 of 1,360,892 alleles (0.000073%); highest among the groups gnomAD compares: Non-Finnish European, 0.000096%; no homozygotes.

Submission:

GeneDx
Classification: Uncertain significance. Last evaluated: 2026-01-22. Review status: criteria provided, single submitter. Criteria: GeneDx Variant Classification Process June 2021. Collection method: clinical testing. Allele origin: germline. Affected: yes.
Comment: Not observed at significant frequency in large population cohorts (gnomAD); In silico analysis supports that this missense variant has a deleterious effect on protein structure/function; Has not been previously published as pathogenic or benign to our knowledge